The following is an entry in ClinVar:

ClinVar aggregate classification (germline): Uncertain significance (1 of 4 stars; one submission).

Conditions:
Sulfite oxidase deficiency. Also called: Isolated sulfite oxidase deficiency. Identifiers: Orphanet 833, Orphanet 99731, MedGen C0268624, MONDO:0010089, OMIM 272300, HP:0003643.

Submission:

Labcorp Genetics (formerly Invitae), Labcorp
Classification: Uncertain significance for Sulfite oxidase deficiency. Last evaluated: 2023-05-10. Review status: criteria provided, single submitter. Criteria: Invitae Variant Classification Sherloc (09022015). Collection method: clinical testing. Allele origin: germline.
Comment: This variant has not been reported in the literature in individuals affected with SUOX-related conditions. ClinVar contains an entry for this variant (Variation ID: 1482289). Advanced modeling of protein sequence and biophysical properties (such as structural, functional, and spatial information, amino acid conservation, physicochemical variation, residue mobility, and thermodynamic stability) performed at Invitae indicates that this missense variant is expected to disrupt SUOX protein function. In summary, the available evidence is currently insufficient to determine the role of this variant in disease. Therefore, it has been classified as a Variant of Uncertain Significance. This variant is not present in population databases (gnomAD no frequency). This sequence change replaces tyrosine, which is neutral and polar, with serine, which is neutral and polar, at codon 230 of the SUOX protein (p.Tyr230Ser).

NM_001032386.2(SUOX):c.689A>C (p.Tyr230Ser)

Gene: SUOX (sulfite oxidase; plus strand). Cytogenetic location: 12q13.2.
Variant type: single nucleotide variant.
Coding change: c.689A>C on transcript NM_001032386.2 (MANE Select); coding-DNA position 689, A replaced by C.
Protein change: p.Tyr230Ser; replaces tyrosine 230 with serine.
Molecular consequence: missense variant.
Genome position (GRCh38, 1-based): chr12:56,004,078, A>C. VCF-style: chr12-56004078-A-C. GRCh37 (hg19) VCF-style: chr12-56397862-A-C.
Other names: c.689A>C, p.Tyr230Ser (NM_000456.3, NM_001032387.2); short protein forms Y230S.
Identifiers: ClinVar variation 1482289 (VCV001482289.9), dbSNP rs1890639871, ClinGen allele CA385286476.